The following is an entry in ClinVar:

NM_001130987.2(DYSF):c.992G>A (p.Gly331Glu)

Gene: DYSF (dysferlin; plus strand). Cytogenetic location: 2p13.2.
Variant type: single nucleotide variant.
Coding change: c.992G>A on transcript NM_001130987.2 (MANE Select); coding-DNA position 992, G replaced by A.
Protein change: p.Gly331Glu; replaces glycine 331 with glutamic acid.
Molecular consequence: missense variant.
Genome position (GRCh38, 1-based): chr2:71,517,029, G>A. VCF-style: chr2-71517029-G-A. GRCh37 (hg19) VCF-style: chr2-71744159-G-A.
Other names: c.899G>A, p.Gly300Glu (NM_001130455.2, NM_001130983.2, NM_001130984.2 and 1 more transcripts); c.896G>A, p.Gly299Glu (NM_001130976.2, NM_001130977.2, NM_001130978.2 and 1 more transcripts); c.989G>A, p.Gly330Glu (NM_001130979.2, NM_001130980.2, NM_001130981.2); c.992G>A, p.Gly331Glu (NM_001130982.2, NM_001130985.2); short protein forms G331E, G299E, G330E, G300E.
Identifiers: ClinVar variation 552632 (VCV000552632.16), dbSNP rs1258728780, ClinGen allele CA347210280.

ClinVar aggregate classification (germline): Conflicting classifications of pathogenicity. Review status: criteria provided, conflicting classifications (1 of 4 stars). 4 submissions from 4 submitters: Likely pathogenic (2); Uncertain significance (1). 1 of the submissions does not count toward it. Last evaluated 2024-02-12.

Conditions:
Neuromuscular disease caused by qualitative or quantitative defects of dysferlin. Also called: Qualitative or quantitative defects of dysferlin; Dysferlinopathy. Identifiers: Orphanet 207073, MedGen C2931687, MONDO:0016145.
Autosomal recessive limb-girdle muscular dystrophy type 2B (LGMDR2). Also called: Limb-Girdle Muscular Dystrophy Type 2B (LGMD2B); MUSCULAR DYSTROPHY, LIMB-GIRDLE, AUTOSOMAL RECESSIVE 2; MUSCULAR DYSTROPHY, LIMB-GIRDLE, TYPE 3; Limb-girdle muscular dystrophy, type 2B. Identifiers: Orphanet 268, MedGen C1850889, MONDO:0009676, OMIM 253601.

Allele frequency attached by ClinVar (database versions not stated): gnomAD exomes below 0.00001; TOPMed below 0.00001; gnomAD 0.00001.
gnomAD v4.1: 6 of 1,614,010 alleles (0.00037%); highest among the groups gnomAD compares: Non-Finnish European, 0.00051%; no homozygotes.

Submissions (4):

Labcorp Genetics (formerly Invitae), Labcorp
Classification: Likely pathogenic for Neuromuscular disease caused by qualitative or quantitative defects of dysferlin. Last evaluated: 2024-02-12. Review status: criteria provided, single submitter. Criteria: Invitae Variant Classification Sherloc (09022015). Collection method: clinical testing. Allele origin: germline.
Comment: This sequence change replaces glycine, which is neutral and non-polar, with glutamic acid, which is acidic and polar, at codon 299 of the DYSF protein (p.Gly299Glu). This variant is present in population databases (no rsID available, gnomAD 0.007%). This missense change has been observed in individual(s) with Miyoshi myopathy (PMID: 16010686, 33610434). ClinVar contains an entry for this variant (Variation ID: 552632). Advanced modeling of protein sequence and biophysical properties (such as structural, functional, and spatial information, amino acid conservation, physicochemical variation, residue mobility, and thermodynamic stability) performed at Invitae indicates that this missense variant is expected to disrupt DYSF protein function with a positive predictive value of 80%. Experimental studies have shown that this missense change affects DYSF function (PMID: 35028538). RNA analysis performed to evaluate the impact of this missense change on mRNA splicing indicates it does not significantly alter splicing (PMID: 36983702). This variant disrupts the p.Gly299 amino acid residue in DYSF. Other variant(s) that disrupt this residue have been determined to be pathogenic (PMID: 17698709, 18306167, 23185377, 27647186, 28877744). This suggests that this residue is clinically significant, and that variants that disrupt this residue are likely to be disease-causing. In summary, the currently available evidence indicates that the variant is pathogenic, but additional data are needed to prove that conclusively. Therefore, this variant has been classified as Likely Pathogenic.

Jain Foundation
Classification: Likely pathogenic for Dysferlinopathy. Last evaluated: 2023-03-13. Review status: criteria provided, single submitter. Criteria: Rufibach et al. (J Pers Med. 2023). Collection method: research. Allele origin: unknown. Inheritance: Autosomal recessive inheritance. Affected: yes. Observed: 1 compound heterozygote.
Comment: This variant is rare with an allele frequency of 0.0065%. This variant has been reported in individuals suspected to have Dysferlinopathy (PMID: 36983702, 16010686, 18853459, 27602406, 33927379), but only in one case was it found in conjunction with a DYSF variant that was considered likely pathogenic (p.1168G>A - PMID: 36983702). In all the other cases the second DYSF variant was labeled as a VUS. This variant disrupts the p.Gly299 amino acid residue in DYSF. Other variant(s) that disrupt this residue have been determined to be pathogenic (p.Gly299Arg - PMID: 27647186 and p.Gly299Trp - PMID: 18306167). This suggests that this residue is clinically significant, and that variants that disrupt this residue are likely to be disease-causing. This variant has also been reported to cause reduced dysferlin protein expression and no plasma membrane localization via an in vitro assay (PMID: 35028538). Both the REVEL (0.947) and CADD (25.2) scores support a deleterious effect. The ACMG classification criteria are: PM2 moderate, PM5 strong, PP3, and PS3 supporting. Based on the above data, this variant has been classified as Likely Pathogenic.

Women's Health and Genetics/Laboratory Corporation of America, LabCorp
Classification: Uncertain significance. Last evaluated: 2022-11-07. Review status: criteria provided, single submitter. Criteria: LabCorp Variant Classification Summary - May 2015. Collection method: clinical testing. Allele origin: germline.
Comment: Variant summary: DYSF c.896G>A (p.Gly299Glu) results in a non-conservative amino acid change located in the C2 domain (IPR000008) of the encoded protein sequence. Five of five in-silico tools predict a damaging effect of the variant on protein function. The variant was absent in 251490 control chromosomes (gnomAD). The available data on variant occurrences in the general population are insufficient to allow any conclusion about variant significance. c.896G>A has been reported in the literature in individuals affected with dysferlinopathy, noted with reduced protein expression in muscle biopsies, however a 2nd pathogenic variant could not be identified in any of them (Nguyen_2005, Krahn_2009, Harris_2016, Charnay_2021). These reports do not provide unequivocal conclusions about association of the variant with disease. Two ClinVar submitters (evaluation after 2014) cite the variant as uncertain significance and one ClinVar submitter (evaluation after 2014) cites it as likely pathogenic. Based on the evidence outlined above, the variant was classified as uncertain significance.

Counsyl
Classification: Uncertain significance for Autosomal recessive limb-girdle muscular dystrophy type 2B. Last evaluated: 2017-06-27. Review status: no assertion criteria provided. Collection method: clinical testing. Allele origin: unknown. Not counted in ClinVar's aggregate classification.

Literature cited by the submitters: PubMed 16010686 (cited by 3 submitters); PubMed 33610434 (cited by Labcorp Genetics (formerly Invitae), Labcorp); PubMed 35028538 (cited by Labcorp Genetics (formerly Invitae), Labcorp and Jain Foundation); PubMed 36983702 (cited by Labcorp Genetics (formerly Invitae), Labcorp); PubMed 17698709 (cited by Labcorp Genetics (formerly Invitae), Labcorp); PubMed 18306167 (cited by Labcorp Genetics (formerly Invitae), Labcorp and Jain Foundation); PubMed 23185377 (cited by Labcorp Genetics (formerly Invitae), Labcorp); PubMed 27647186 (cited by Labcorp Genetics (formerly Invitae), Labcorp and Jain Foundation); PubMed 28877744 (cited by Labcorp Genetics (formerly Invitae), Labcorp); PubMed 18853459 (cited by 3 submitters); PubMed 27602406 (cited by 3 submitters); PubMed 33927379 (cited by Jain Foundation and Women's Health and Genetics/Laboratory Corporation of America, LabCorp).